The following is an entry in ClinVar:

NM_003628.6(PKP4):c.1160G>A (p.Arg387Gln)

Gene: PKP4 (plakophilin 4; plus strand). Cytogenetic location: 2q24.1.
Variant type: single nucleotide variant.
Coding change: c.1160G>A on transcript NM_003628.6 (MANE Select); coding-DNA position 1160, G replaced by A.
Protein change: p.Arg387Gln; replaces arginine 387 with glutamine.
Molecular consequence: missense variant.
Genome position (GRCh38, 1-based): chr2:158,631,759, G>A. VCF-style: chr2-158631759-G-A. GRCh37 (hg19) VCF-style: chr2-159488271-G-A.
Other names: c.1160G>A, p.Arg387Gln (NM_001005476.4, NM_001304969.3, NM_001304971.2 and 6 more transcripts); c.134G>A, p.Arg45Gln (NM_001304970.3); c.1154G>A, p.Arg385Gln (NM_001377222.1, NM_001377223.1, NM_001377224.1); short protein forms R385Q, R387Q, R45Q.
Identifiers: ClinVar variation 3223484 (VCV003223484.1), dbSNP rs370930763, ClinGen allele CA1920624.

ClinVar aggregate classification (germline): Uncertain significance (1 of 4 stars; one submission).

Allele frequency attached by ClinVar (database versions not stated): ExAC 0.00001; gnomAD 0.00001; gnomAD exomes 0.00001; TOPMed 0.00002; ESP Exome Variant Server 0.00008.
gnomAD v4.1: 13 of 1,613,634 alleles (0.00081%); highest among the groups gnomAD compares: East Asian, 0.0045%; no homozygotes.

Submission:

Ambry Genetics
Classification: Uncertain significance. Last evaluated: 2023-12-10. Review status: criteria provided, single submitter. Criteria: Ambry Variant Classification Scheme 2023. Collection method: clinical testing. Allele origin: germline.
Comment: The p.R387Q variant (also known as c.1160G>A), located in coding exon 7 of the PKP4 gene, results from a G to A substitution at nucleotide position 1160. The arginine at codon 387 is replaced by glutamine, an amino acid with highly similar properties. This amino acid position is conserved. In addition, this alteration is predicted to be deleterious by in silico analysis. Since supporting evidence is limited at this time, the clinical significance of this alteration remains unclear.